The following is an entry in ClinVar:

NM_138694.4(PKHD1):c.3271dup (p.Asp1091fs)

Gene: PKHD1 (PKHD1 ciliary IPT domain containing fibrocystin/polyductin; minus strand). Cytogenetic location: 6p12.2.
Variant type: Duplication.
Coding change: c.3271dup on transcript NM_138694.4 (MANE Select); coding-DNA position 3271, one base duplicated (G; older notation c.3271dupG).
Protein change: p.Asp1091fs; shifts the reading frame from aspartic acid 1091.
Molecular consequence: frameshift variant.
Genome position (GRCh38, 1-based): chr6:52,033,123, C duplicated on the plus strand (G on the coding strand, the reverse complement: PKHD1 is on the minus strand); the first of 4 consecutive C bases (chr6:52,033,123-52,033,126); duplicating any one gives the same sequence. VCF-style (leftmost placement, unchanged base first): chr6-52033122-T-TC. GRCh37 (hg19) VCF-style: chr6-51897920-T-TC.
Other names: c.3271dup, p.Asp1091fs (NM_170724.3); short protein forms D1091fs.
Identifiers: ClinVar variation 955253 (VCV000955253.9), dbSNP rs1803325484, ClinGen allele CA1139659607.

ClinVar aggregate classification (germline): Pathogenic/Likely pathogenic. Review status: criteria provided, multiple submitters, no conflicts (2 of 4 stars). 2 submissions from 2 submitters: Pathogenic (1); Likely pathogenic (1). Last evaluated 2024-06-06.

Conditions:
Autosomal recessive polycystic kidney disease (ARPKD). Also called: AR polycystic kidney disease. Identifiers: Orphanet 731, Orphanet 8378, MedGen C0085548, MeSH D017044, MONDO:0009889.

Submissions (2):

Natera, Inc.
Classification: Likely pathogenic for Autosomal recessive polycystic kidney disease. Last evaluated: 2024-06-06. Review status: criteria provided, single submitter. Criteria: Natera Variant Classification Schema (03/2026). Collection method: clinical testing. Allele origin: germline.
Comment: The c.3271dup variant in PKHD1 is a frameshift variant predicted to shift the reading frame beginning at codon 1091 and leads to a stop codon 34 codons downstream. This variant is expected to result in nonsense mediated decay, truncation, or a dysfunctional protein product. This variant is rare in the general population with a frequency below the threshold expected for the associated phenotype(s). Given the available evidence, this variant is classified as Likely Pathogenic.

Labcorp Genetics (formerly Invitae), Labcorp
Classification: Pathogenic for Autosomal recessive polycystic kidney disease. Last evaluated: 2019-08-20. Review status: criteria provided, single submitter. Criteria: Invitae Variant Classification Sherloc (09022015). Collection method: clinical testing. Allele origin: germline.
Comment: This variant is not present in population databases (ExAC no frequency). For these reasons, this variant has been classified as Pathogenic. Loss-of-function variants in PKHD1 are known to be pathogenic (PMID: 19940839). This variant has not been reported in the literature in individuals with PKHD1-related conditions. This sequence change creates a premature translational stop signal (p.Asp1091Glyfs*34) in the PKHD1 gene. It is expected to result in an absent or disrupted protein product.

Literature cited by the submitters: PubMed 19940839 (cited by Labcorp Genetics (formerly Invitae), Labcorp).